The following is an entry in ClinVar:

NM_183357.3(ADCY5):c.3338A>G (p.Glu1113Gly)

Gene: ADCY5 (adenylate cyclase 5; minus strand). Cytogenetic location: 3q21.1.
Variant type: single nucleotide variant.
Coding change: c.3338A>G on transcript NM_183357.3 (MANE Select); coding-DNA position 3338, A replaced by G.
Protein change: p.Glu1113Gly; replaces glutamic acid 1113 with glycine.
Molecular consequence: missense variant.
Genome position (GRCh38, 1-based): chr3:123,289,944, T>C on the plus strand (A>G on the coding strand, the complement: ADCY5 is on the minus strand). VCF-style: chr3-123289944-T-C. GRCh37 (hg19) VCF-style: chr3-123008791-T-C.
Other names: c.2288A>G, p.Glu763Gly (NM_001199642.1); c.3413A>G, p.Glu1138Gly (NM_001378259.1); short protein forms E1138G, E763G, E1113G.
Identifiers: ClinVar variation 2901541 (VCV002901541.3), dbSNP rs200030919, ClinGen allele CA2576789.

ClinVar aggregate classification (germline): Uncertain significance (1 of 4 stars; one submission).

Allele frequency attached by ClinVar (database versions not stated): gnomAD exomes 0.00002; gnomAD 0.00002; TOPMed 0.00002; ExAC 0.00002.
gnomAD v4.1: 32 of 1,613,990 alleles (0.002%); highest among the groups gnomAD compares: Non-Finnish European, 0.0027%; no homozygotes.

Submission:

Labcorp Genetics (formerly Invitae), Labcorp
Classification: Uncertain significance. Last evaluated: 2025-05-04. Review status: criteria provided, single submitter. Criteria: Invitae Variant Classification Sherloc (09022015). Collection method: clinical testing. Allele origin: germline.
Comment: This sequence change replaces glutamic acid, which is acidic and polar, with glycine, which is neutral and non-polar, at codon 1113 of the ADCY5 protein (p.Glu1113Gly). This variant is present in population databases (rs200030919, gnomAD 0.003%). This missense change has been observed in individuals with clinical features of ADCY5-related conditions (internal data). ClinVar contains an entry for this variant (Variation ID: 2901541). Invitae Evidence Modeling of protein sequence and biophysical properties (such as structural, functional, and spatial information, amino acid conservation, physicochemical variation, residue mobility, and thermodynamic stability) has been performed for this missense variant. However, the output from this modeling did not meet the statistical confidence thresholds required to predict the impact of this variant on ADCY5 protein function. In summary, the available evidence is currently insufficient to determine the role of this variant in disease. Therefore, it has been classified as a Variant of Uncertain Significance.